The following is an entry in ClinVar:

ClinVar aggregate classification (germline): Uncertain significance. Review status: criteria provided, multiple submitters, no conflicts (2 of 4 stars). 3 submissions from 3 submitters: Uncertain significance (3). Last evaluated 2025-10-27.

Conditions:
Inborn genetic diseases. Identifiers: MedGen C0950123, MeSH D030342.
Bartter disease type 1. Also called: Bartter Syndrome type 1; HYPERPROSTAGLANDIN E SYNDROME 1; HYPOKALEMIC ALKALOSIS WITH HYPERCALCIURIA 1, ANTENATAL; Bartter syndrome, type 1, antenatal. Identifiers: Orphanet 112, Orphanet 620217, MedGen C1866495, MONDO:0100344, OMIM 601678, MONDO:0011127.

Allele frequency attached by ClinVar (database versions not stated): gnomAD 0.00004; TOPMed 0.00005.
gnomAD v4.1: 35 of 1,610,056 alleles (0.0022%); highest among the groups gnomAD compares: Admixed American, 0.059%; no homozygotes.

Submissions (3):

Ambry Genetics
Classification: Uncertain significance for Inborn genetic diseases. Last evaluated: 2025-10-27. Review status: criteria provided, single submitter. Criteria: Ambry Variant Classification Scheme 2023. Collection method: clinical testing. Allele origin: germline.

Fulgent Genetics
Classification: Uncertain significance for Bartter disease type 1. Last evaluated: 2024-05-13. Review status: criteria provided, single submitter. Criteria: ACMG Guidelines, 2015. Collection method: clinical testing. Allele origin: germline.

Labcorp Genetics (formerly Invitae), Labcorp
Classification: Uncertain significance. Last evaluated: 2022-08-02. Review status: criteria provided, single submitter. Criteria: Invitae Variant Classification Sherloc (09022015). Collection method: clinical testing. Allele origin: germline.
Comment: This sequence change replaces threonine, which is neutral and polar, with isoleucine, which is neutral and non-polar, at codon 230 of the SLC12A1 protein (p.Thr230Ile). This variant is present in population databases (rs568245443, gnomAD 0.06%). This variant has not been reported in the literature in individuals affected with SLC12A1-related conditions. Algorithms developed to predict the effect of missense changes on protein structure and function are either unavailable or do not agree on the potential impact of this missense change (SIFT: "Tolerated"; PolyPhen-2: "Possibly Damaging"; Align-GVGD: "Class C0"). Algorithms developed to predict the effect of sequence changes on RNA splicing suggest that this variant may disrupt the consensus splice site. In summary, the available evidence is currently insufficient to determine the role of this variant in disease. Therefore, it has been classified as a Variant of Uncertain Significance.

NM_000338.3(SLC12A1):c.689C>T (p.Thr230Ile)

Gene: SLC12A1 (solute carrier family 12 member 1; plus strand). Cytogenetic location: 15q21.1.
Variant type: single nucleotide variant.
Coding change: c.689C>T on transcript NM_000338.3 (MANE Select); coding-DNA position 689, C replaced by T.
Protein change: p.Thr230Ile; replaces threonine 230 with isoleucine.
Molecular consequence: missense variant. On other transcripts: intron variant (2).
Genome position (GRCh38, 1-based): chr15:48,226,536, C>T. VCF-style: chr15-48226536-C-T. GRCh37 (hg19) VCF-style: chr15-48518733-C-T.
Other names: c.724+589C>T (NM_001384136.1); c.629-543C>T (NM_001184832.2); c.689C>T (NM_000338.2); short protein forms T230I.
Identifiers: ClinVar variation 2074927 (VCV002074927.4), dbSNP rs568245443, ClinGen allele CA7546838.
Genomic context (GRCh38, chr15:48,226,536, plus strand): 5'-GTCTTGGAGTTCTCATAATTCTTCTTTCCACCATGGTAACTTCTATTACTGGGTTGTCAA[C>T]TTCTGCGATAGCAACTAACGGGTTTGTTCGTGGAGGTAAAATCTCTAAGATATCTAATGC-3'
Protein context (NP_000329.2, residues 220-240): TMVTSITGLS[Thr230Ile]SAIATNGFVR